The following is an entry in ClinVar:

NM_000059.4(BRCA2):c.4318A>T (p.Lys1440Ter)

Gene: BRCA2 (BRCA2 DNA repair associated; plus strand). Cytogenetic location: 13q13.1.
Variant type: single nucleotide variant.
Coding change: c.4318A>T on transcript NM_000059.4 (MANE Select); coding-DNA position 4318, A replaced by T.
Protein change: p.Lys1440Ter; replaces lysine 1440 with a stop codon.
Molecular consequence: nonsense.
Genome position (GRCh38, 1-based): chr13:32,338,673, A>T. VCF-style: chr13-32338673-A-T. GRCh37 (hg19) VCF-style: chr13-32912810-A-T.
Other names: short protein forms K1440*.
Identifiers: ClinVar variation 1072034 (VCV001072034.9), dbSNP rs80358668, ClinGen allele CA387780815.

ClinVar aggregate classification (germline): Pathogenic (1 of 4 stars; one submission).

Conditions:
Hereditary breast ovarian cancer syndrome. Also called: Hereditary breast and ovarian cancer syndrome (HBOC); Hereditary breast and/or ovarian cancer syndrome; Hereditary breast and ovarian cancer; BRCA1- and BRCA2-Associated Hereditary Breast and Ovarian Cancer; Hereditary breast and ovarian cancer syndrome; Breast and ovarian cancer. Identifiers: Orphanet 145, MedGen C0677776, MeSH D061325, MONDO:0003582. Disease mechanism: loss of function.

Submission:

Labcorp Genetics (formerly Invitae), Labcorp
Classification: Pathogenic for Hereditary breast ovarian cancer syndrome. Last evaluated: 2020-06-12. Review status: criteria provided, single submitter. Criteria: Invitae Variant Classification Sherloc (09022015). Collection method: clinical testing. Allele origin: germline.
Comment: This sequence change creates a premature translational stop signal (p.Lys1440*) in the BRCA2 gene. It is expected to result in an absent or disrupted protein product. This variant is not present in population databases (ExAC no frequency). For these reasons, this variant has been classified as Pathogenic. Loss-of-function variants in BRCA2 are known to be pathogenic (PMID: 20104584). This variant has not been reported in the literature in individuals with BRCA2-related conditions.

Literature cited by the submitters: PubMed 20104584.